The following is an entry in ClinVar:

ClinVar aggregate classification (germline): Pathogenic/Likely pathogenic. Review status: criteria provided, multiple submitters, no conflicts (2 of 4 stars). 2 submissions from 2 submitters: Pathogenic (1); Likely pathogenic (1). Last evaluated 2021-05-06.

Conditions:
Autosomal recessive non-syndromic intellectual disability. Also called: Mental retardation, autosomal recessive. Identifiers: Orphanet 88616, MedGen C5680181, MONDO:0019502.
Intellectual developmental disorder, autosomal recessive 3. Also called: Intellectual disability, autosomal recessive 3. Identifiers: Orphanet 88616, MedGen C1838023, MONDO:0012037, OMIM 608443.

Allele frequency attached by ClinVar (database versions not stated): ExAC 0.00002; gnomAD 0.00001; TOPMed below 0.00001.
gnomAD v4.1: 12 of 1,613,426 alleles (0.00074%); highest among the groups gnomAD compares: South Asian, 0.0011%; no homozygotes.

Submissions (2):

Victorian Clinical Genetics Services, Murdoch Childrens Research Institute
Classification: Pathogenic for Autosomal recessive non-syndromic intellectual disability. Last evaluated: 2021-05-06. Review status: criteria provided, single submitter. Criteria: ACMG Guidelines, 2015. Collection method: clinical testing. Allele origin: germline. Inheritance: Autosomal recessive inheritance. Affected: yes.
Comment: Based on the classification scheme VCGS_Germline_v1.3.4, this variant is classified as Pathogenic. Following criteria are met: 0102 - Loss of function is a known mechanism of disease in this gene and is associated with CC2D1A-related intellectual disability (MIM#608443). (I) 0106 - This gene is associated with autosomal recessive disease. (I) 0115 - Variants in this gene are known to have variable expressivity (PMID: 25066123). (I) 0201 - Variant is predicted to cause nonsense-mediated decay (NMD) and loss of protein (premature termination codon is located at least 54 nucleotides upstream of the final exon-exon junction). (SP) 0251 - This variant is heterozygous. (I) 0304 - Variant is present in gnomAD <0.01 for a recessive condition (v2: 3 heterozygotes, 0 homozygotes). (SP) 0702 - Other NMD variants comparable to the one identified in this case have strong previous evidence for pathogenicity (ClinVar, DECIPHER, LOVD, PMID: 25066123). (SP) 0807 - This variant has no previous evidence of pathogenicity. (I) 0905 - No published segregation evidence has been identified for this variant. (I) 1007 - No published functional evidence has been identified for this variant. (I) 1208 - Inheritance information for this variant is not currently available in this individual. (I) Legend: (SP) - Supporting pathogenic, (I) - Information, (SB) - Supporting benign

Juno Genomics, Hangzhou Juno Genomics, Inc
Classification: Likely pathogenic for Intellectual developmental disorder, autosomal recessive 3. Review status: criteria provided, single submitter. Criteria: ACMG Guidelines, 2015. Collection method: clinical testing. Allele origin: germline.
Comment: Null variant in a gene where loss of function (LOF) is a known mechanism of disease.;Absent from controls (or at extremely low frequency if recessive) in Genome Aggregation Database.

Literature cited by the submitters: PubMed 25066123 (cited by Victorian Clinical Genetics Services, Murdoch Childrens Research Institute).

NM_017721.5(CC2D1A):c.2347C>T (p.Arg783Ter)

Gene: CC2D1A (coiled-coil and C2 domain containing 1A; plus strand). Cytogenetic location: 19p13.12.
Variant type: single nucleotide variant.
Coding change: c.2347C>T on transcript NM_017721.5 (MANE Select); coding-DNA position 2347, C replaced by T.
Protein change: p.Arg783Ter; replaces arginine 783 with a stop codon.
Molecular consequence: nonsense.
Genome position (GRCh38, 1-based): chr19:13,927,923, C>T. VCF-style: chr19-13927923-C-T. GRCh37 (hg19) VCF-style: chr19-14038736-C-T.
Other names: short protein forms R783*.
Identifiers: ClinVar variation 1699097 (VCV001699097.5), dbSNP rs779620838, ClinGen allele CA9245046.